The following is an entry in ClinVar:

ClinVar aggregate classification (germline): Benign/Likely benign. Review status: criteria provided, multiple submitters, no conflicts (2 of 4 stars). 4 submissions from 4 submitters: Benign (2); Likely benign (2). Last evaluated 2026-01-21.

Conditions:
Werner syndrome (WRN). Identifiers: Orphanet 902, MedGen C0043119, MONDO:0010196, OMIM 277700.

Allele frequency attached by ClinVar (database versions not stated): ExAC 0.00005; gnomAD exomes 0.00007 and 0.00010; ESP Exome Variant Server 0.00008; gnomAD 0.00012 and 0.00013; TOPMed 0.00021.
gnomAD v4.1: 122 of 1,613,574 alleles (0.0076%); highest among the groups gnomAD compares: Middle Eastern, 0.066%; no homozygotes.

Submissions (4):

Labcorp Genetics (formerly Invitae), Labcorp
Classification: Benign for Werner syndrome. Last evaluated: 2026-01-21. Review status: criteria provided, single submitter. Criteria: Invitae Variant Classification Sherloc (09022015). Collection method: clinical testing. Allele origin: germline.

KCCC/NGS Laboratory, Kuwait Cancer Control Center
Classification: Benign for Werner syndrome. Last evaluated: 2025-02-01. Review status: criteria provided, single submitter. Criteria: ACMG Guidelines, 2015. Collection method: clinical testing. Allele origin: germline. Affected: no.

Blueprint Genetics
Classification: Likely benign. Last evaluated: 2024-11-25. Review status: criteria provided, single submitter. Criteria: ACMG Guidelines, 2015. Collection method: clinical testing. Allele origin: germline.

CeGaT Center for Human Genetics Tuebingen
Classification: Likely benign. Last evaluated: 2024-01-01. Review status: criteria provided, single submitter. Criteria: CeGaT Center For Human Genetics Tuebingen Variant Classification Criteria Version 2. Collection method: clinical testing. Allele origin: germline. Affected: yes. Observed: 1 variant allele.
Comment: WRN: BP4, BP7

NM_000553.6(WRN):c.2256A>G (p.Pro752=)

Gene: WRN (WRN RecQ like helicase; plus strand). Cytogenetic location: 8p12.
Variant type: single nucleotide variant.
Coding change: c.2256A>G on transcript NM_000553.6 (MANE Select); coding-DNA position 2256, A replaced by G.
Protein change: p.Pro752=; no amino-acid change (proline 752 retained).
Molecular consequence: synonymous variant.
Genome position (GRCh38, 1-based): chr8:31,111,782, A>G. VCF-style: chr8-31111782-A-G. GRCh37 (hg19) VCF-style: chr8-30969298-A-G.
Identifiers: ClinVar variation 412717 (VCV000412717.34), dbSNP rs372016270, ClinGen allele CA4704685.
Genomic context (GRCh38, chr8:31,111,782, plus strand): 5'-ACCAAACCTGTATTTAGAAGTTAGGCGAAAAACAGGGAATATCCTTCAGGATCTGCAGCC[A>G]TTTCTTGTCAAAACAAGGTAAGGATTTAATGGTTGATGAATTTTGGTAATGATTTCCTTT-3'
Protein context (NP_000544.2, residues 742-762): KTGNILQDLQ[Pro752=]FLVKTSSHWE